The following is an entry in ClinVar:

ClinVar aggregate classification (germline): Uncertain significance (1 of 4 stars; one submission).

Conditions:
Periodic fever-infantile enterocolitis-autoinflammatory syndrome. Also called: Autoinflammation with infantile enterocolitis. Identifiers: Orphanet 436166, MedGen C4015067, MONDO:0014472, OMIM 616050.
Familial cold autoinflammatory syndrome 4 (FCAS4). Identifiers: Orphanet 47045, Orphanet 576349, MedGen C4015276, MONDO:0014498, OMIM 616115.

gnomAD v4.1: 3 of 1,614,160 alleles (0.00019%); highest among the groups gnomAD compares: Non-Finnish European, 0.00025%; no homozygotes.

Submission:

Labcorp Genetics (formerly Invitae), Labcorp
Classification: Uncertain significance for Periodic fever-infantile enterocolitis-autoinflammatory syndrome; Familial cold autoinflammatory syndrome 4. Last evaluated: 2024-07-19. Review status: criteria provided, single submitter. Criteria: Invitae Variant Classification Sherloc (09022015). Collection method: clinical testing. Allele origin: germline.
Comment: This sequence change replaces phenylalanine, which is neutral and non-polar, with leucine, which is neutral and non-polar, at codon 213 of the NLRC4 protein (p.Phe213Leu). This variant is not present in population databases (gnomAD no frequency). This variant has not been reported in the literature in individuals affected with NLRC4-related conditions. Advanced modeling of protein sequence and biophysical properties (such as structural, functional, and spatial information, amino acid conservation, physicochemical variation, residue mobility, and thermodynamic stability) performed at Invitae indicates that this missense variant is not expected to disrupt NLRC4 protein function with a negative predictive value of 80%. In summary, the available evidence is currently insufficient to determine the role of this variant in disease. Therefore, it has been classified as a Variant of Uncertain Significance.

NM_001199138.2(NLRC4):c.639T>G (p.Phe213Leu)

Gene: NLRC4 (NLR family CARD domain containing 4; minus strand). Cytogenetic location: 2p22.3.
Variant type: single nucleotide variant.
Coding change: c.639T>G on transcript NM_001199138.2 (MANE Select); coding-DNA position 639, T replaced by G.
Protein change: p.Phe213Leu; replaces phenylalanine 213 with leucine.
Molecular consequence: missense variant. On other transcripts: intron variant (1).
Genome position (GRCh38, 1-based): chr2:32,251,225, A>C on the plus strand (T>G on the coding strand, the complement: NLRC4 is on the minus strand). VCF-style: chr2-32251225-A-C. GRCh37 (hg19) VCF-style: chr2-32476294-A-C.
Other names: c.639T>G, p.Phe213Leu (NM_001199139.2, NM_021209.5); c.262+1194T>G (NM_001302504.1); short protein forms F213L.
Identifiers: ClinVar variation 3757309 (VCV003757309.2).